The following is an entry in ClinVar:

NM_001190274.2(FBXO11):c.101A>T (p.Gln34Leu)

Genes: FBXO11 (F-box protein 11; minus strand), LOC100506235 (uncharacterized LOC100506235; plus strand). Cytogenetic location: 2p16.3.
Variant type: single nucleotide variant.
Coding change: c.101A>T on transcript NM_001190274.2 (MANE Select); coding-DNA position 101, A replaced by T.
Protein change: p.Gln34Leu; replaces glutamine 34 with leucine.
Molecular consequence: missense variant. On other transcripts: non-coding transcript variant (1).
Genome position (GRCh38, 1-based): chr2:47,905,620, T>A on the plus strand (A>T on the coding strand, the complement: FBXO11 is on the minus strand). VCF-style: chr2-47905620-T-A. GRCh37 (hg19) VCF-style: chr2-48132759-T-A.
Other names: short protein forms Q34L.
Identifiers: ClinVar variation 4704465 (VCV004704465.1).

ClinVar aggregate classification (germline): Uncertain significance (1 of 4 stars; one submission).

gnomAD v4.1: 55 of 1,369,090 alleles (0.004%); highest among the groups gnomAD compares: Non-Finnish European, 0.0052%; no homozygotes.

Submission:

Labcorp Genetics (formerly Invitae), Labcorp
Classification: Uncertain significance. Last evaluated: 2025-11-03. Review status: criteria provided, single submitter. Criteria: Invitae Variant Classification Sherloc (09022015). Collection method: clinical testing. Allele origin: germline.
Comment: This sequence change replaces glutamine, which is neutral and polar, with leucine, which is neutral and non-polar, at codon 34 of the FBXO11 protein (p.Gln34Leu). This variant is not present in population databases (gnomAD no frequency). This variant has not been reported in the literature in individuals affected with FBXO11-related conditions. Experimental studies and prediction algorithms are not available or were not evaluated, and the functional significance of this variant is currently unknown. In summary, the available evidence is currently insufficient to determine the role of this variant in disease. Therefore, it has been classified as a Variant of Uncertain Significance.